The following is an entry in ClinVar:

ClinVar aggregate classification (germline): Uncertain significance. Review status: criteria provided, multiple submitters, no conflicts (2 of 4 stars). 2 submissions from 2 submitters: Uncertain significance (2). Last evaluated 2023-02-01.

Conditions:
Dilated cardiomyopathy 1KK (CMD1KK). Identifiers: Orphanet 154, Orphanet 75249, MedGen C3714995, MONDO:0014100, OMIM 615248.
Cardiovascular phenotype. Identifiers: MedGen CN230736.

Allele frequency attached by ClinVar (database versions not stated): gnomAD exomes below 0.00001; ExAC 0.00001.
gnomAD v4.1: 4 of 1,614,128 alleles (0.00025%); highest among the groups gnomAD compares: Non-Finnish European, 0.00034%; no homozygotes.

Submissions (2):

Ambry Genetics
Classification: Uncertain significance for Cardiovascular phenotype. Last evaluated: 2023-02-01. Review status: criteria provided, single submitter. Criteria: Ambry Variant Classification Scheme 2023. Collection method: clinical testing. Allele origin: germline.

Labcorp Genetics (formerly Invitae), Labcorp
Classification: Uncertain significance for Dilated cardiomyopathy 1KK. Last evaluated: 2020-07-09. Review status: criteria provided, single submitter. Criteria: Invitae Variant Classification Sherloc (09022015). Collection method: clinical testing. Allele origin: germline.
Comment: This sequence change replaces aspartic acid with tyrosine at codon 873 of the MYPN protein (p.Asp873Tyr). The aspartic acid residue is moderately conserved and there is a large physicochemical difference between aspartic acid and tyrosine. This variant is present in population databases (rs767769379, ExAC 0.001%). This variant has not been reported in the literature in individuals with MYPN-related conditions. Algorithms developed to predict the effect of missense changes on protein structure and function are either unavailable or do not agree on the potential impact of this missense change (SIFT: "Deleterious"; PolyPhen-2: "Possibly Damaging"; Align-GVGD: "Class C15"). In summary, the available evidence is currently insufficient to determine the role of this variant in disease. Therefore, it has been classified as a Variant of Uncertain Significance.

NM_032578.4(MYPN):c.2617G>T (p.Asp873Tyr)

Gene: MYPN (myopalladin; plus strand). Cytogenetic location: 10q21.3.
Variant type: single nucleotide variant.
Coding change: c.2617G>T on transcript NM_032578.4 (MANE Select); coding-DNA position 2617, G replaced by T.
Protein change: p.Asp873Tyr; replaces aspartic acid 873 with tyrosine.
Molecular consequence: missense variant. On other transcripts: non-coding transcript variant (1).
Genome position (GRCh38, 1-based): chr10:68,175,375, G>T. VCF-style: chr10-68175375-G-T. GRCh37 (hg19) VCF-style: chr10-69935132-G-T.
Other names: c.2617G>T, p.Asp873Tyr (NM_001256267.2); c.1735G>T, p.Asp579Tyr (NM_001256268.2); c.2617G>T (NM_032578.2); short protein forms D579Y, D873Y.
Identifiers: ClinVar variation 1022814 (VCV001022814.10), dbSNP rs767769379, ClinGen allele CA5522831.